The following is an entry in ClinVar:

ClinVar aggregate classification (germline): Conflicting classifications of pathogenicity. Review status: criteria provided, conflicting classifications (1 of 4 stars). 8 submissions from 8 submitters: Uncertain significance (1); Likely benign (7). Last evaluated 2025-12-15.

Conditions:
Hereditary cancer-predisposing syndrome. Also called: Hereditary neoplastic syndrome; Neoplastic Syndromes, Hereditary; Hereditary Cancer Syndrome; Tumor predisposition. Identifiers: Orphanet 140162, MedGen C0027672, MeSH D009386, MONDO:0015356.
Neurofibromatosis, type 2 (SWNV). Also called: SCHWANNOMATOSIS, VESTIBULAR; NF2-Related Schwannomatosis; BILATERAL ACOUSTIC NEUROFIBROMATOSIS. Identifiers: Orphanet 637, MedGen C0027832, MONDO:0007039, OMIM 101000. Disease mechanism: loss of function.

Allele frequency attached by ClinVar (database versions not stated): gnomAD exomes 0.00001 and 0.00004; ExAC 0.00002; gnomAD 0.00003 and 0.00004; TOPMed 0.00004; ESP Exome Variant Server 0.00008.
gnomAD v4.1: 28 of 1,614,114 alleles (0.0017%); highest among the groups gnomAD compares: Admixed American, 0.018%; no homozygotes.

Submissions (8):

Labcorp Genetics (formerly Invitae), Labcorp
Classification: Likely benign for Neurofibromatosis, type 2. Last evaluated: 2025-12-15. Review status: criteria provided, single submitter. Criteria: Invitae Variant Classification Sherloc (09022015). Collection method: clinical testing. Allele origin: germline.

All of Us Research Program, National Institutes of Health
Classification: Likely benign for Neurofibromatosis, type 2. Last evaluated: 2024-08-13. Review status: criteria provided, single submitter. Criteria: ACMG Guidelines, 2015. Collection method: clinical testing. Allele origin: germline. Inheritance: Autosomal dominant inheritance. Observed: 8 variant alleles, 8 heterozygotes.
Comment: This study involves interpretation of variants in research participants for the purpose of population health screening. Participant phenotype was not available at the time of variant classification. Additional details can be found in publication PMID: 35346344, PMCID: PMC8962531

CeGaT Center for Human Genetics Tuebingen
Classification: Likely benign. Last evaluated: 2023-11-01. Review status: criteria provided, single submitter. Criteria: CeGaT Center For Human Genetics Tuebingen Variant Classification Criteria Version 2. Collection method: clinical testing. Allele origin: germline. Affected: yes. Observed: 1 variant allele.
Comment: NF2: BP4, BP7

Color Diagnostics, LLC DBA Color Health
Classification: Likely benign for Neurofibromatosis, type 2. Last evaluated: 2022-03-04. Review status: criteria provided, single submitter. Criteria: ACMG Guidelines, 2015. Collection method: clinical testing. Allele origin: germline.

Genome-Nilou Lab
Classification: Likely benign for Neurofibromatosis, type 2. Last evaluated: 2021-11-07. Review status: criteria provided, single submitter. Criteria: ACMG Guidelines, 2015. Collection method: clinical testing. Allele origin: germline. Affected: no.

Blueprint Genetics
Classification: Likely benign. Last evaluated: 2020-12-04. Review status: criteria provided, single submitter. Criteria: ACMG Guidelines, 2015. Collection method: clinical testing. Allele origin: germline.

Ambry Genetics
Classification: Likely benign for Hereditary cancer-predisposing syndrome. Last evaluated: 2018-07-09. Review status: criteria provided, single submitter. Criteria: Ambry Variant Classification Scheme 2023. Collection method: clinical testing. Allele origin: germline.

Illumina Laboratory Services, Illumina
Classification: Uncertain significance for Neurofibromatosis, type 2. Last evaluated: 2018-01-12. Review status: criteria provided, single submitter. Criteria: ICSL Variant Classification Criteria 13 December 2019. Collection method: clinical testing. Allele origin: germline.

NM_000268.4(NF2):c.255T>C (p.Asp85=)

Gene: NF2 (NF2, moesin-ezrin-radixin like (MERLIN) tumor suppressor; plus strand). Cytogenetic location: 22q12.2.
Variant type: single nucleotide variant.
Coding change: c.255T>C on transcript NM_000268.4 (MANE Select); coding-DNA position 255, T replaced by C.
Protein change: p.Asp85=; no amino-acid change (aspartic acid 85 retained).
Molecular consequence: synonymous variant. On other transcripts: non-coding transcript variant (1), intron variant (3).
Genome position (GRCh38, 1-based): chr22:29,639,104, T>C. VCF-style: chr22-29639104-T-C. GRCh37 (hg19) VCF-style: chr22-30035093-T-C.
Other names: c.255T>C, p.Asp85= (NM_016418.5, NM_181825.3, NM_181832.3 and 1 more transcripts); c.129T>C, p.Asp43= (NM_181828.3); c.240+2228T>C (NM_181829.3); c.115-3098T>C (NM_181830.3, NM_181831.3).
Identifiers: ClinVar variation 457910 (VCV000457910.48), dbSNP rs375802248, ClinGen allele CA030392.